The following is an entry in ClinVar:

NM_004260.4(RECQL4):c.782A>T (p.Lys261Met)

Gene: RECQL4 (RecQ like helicase 4; minus strand). Cytogenetic location: 8q24.3.
Variant type: single nucleotide variant.
Coding change: c.782A>T on transcript NM_004260.4 (MANE Select); coding-DNA position 782, A replaced by T.
Protein change: p.Lys261Met; replaces lysine 261 with methionine.
Molecular consequence: missense variant. On other transcripts: non-coding transcript variant (3), 5 prime UTR variant (17).
Genome position (GRCh38, 1-based): chr8:144,516,337, T>A on the plus strand (A>T on the coding strand, the complement: RECQL4 is on the minus strand). VCF-style: chr8-144516337-T-A. GRCh37 (hg19) VCF-style: chr8-145741721-T-A.
Other names: c.782A>T, p.Lys261Met (NM_001413017.1, NM_001413018.1, NM_001413019.1 and 4 more transcripts); c.-290A>T (NM_001413021.1, NM_001413022.1, NM_001413023.1 and 7 more transcripts); c.653A>T, p.Lys218Met (NM_001413025.1); c.-352A>T (NM_001413027.1, NM_001413030.1, NM_001413031.1 and 2 more transcripts); c.431A>T, p.Lys144Met (NM_001413029.1); c.-194A>T (NM_001413034.1); c.-559A>T (NM_001413043.1); short protein forms K261M, K144M, K218M.
Identifiers: ClinVar variation 4825865 (VCV004825865.1).
Genomic context (GRCh38, chr8:144,516,337, plus strand): 5'-TGGCTGCTCTCCTGCTGGACCTGTGCGGGGCTCTCCCAGGGCTCCTCGTTCCATCTCCGC[T>A]TCTCGCCTCCACTGCTGCTGGGCTGGGGGCTCCCCACACGGATGCTGACTTCTTGGAAGG-3'
Protein context (NP_004251.4, residues 251-271): SPQPSSSGGE[Lys261Met]RRWNEEPWES

ClinVar aggregate classification (germline): Uncertain significance (1 of 4 stars; one submission).

Conditions:
Inborn genetic diseases. Identifiers: MedGen C0950123, MeSH D030342.

Submission:

Ambry Genetics
Classification: Uncertain significance for Inborn genetic diseases. Last evaluated: 2026-03-03. Review status: criteria provided, single submitter. Criteria: Ambry Variant Classification Scheme 2023. Collection method: clinical testing. Allele origin: germline.
Comment: The p.K261M variant (also known as c.782A>T), located in coding exon 5 of the RECQL4 gene, results from an A to T substitution at nucleotide position 782. The lysine at codon 261 is replaced by methionine, an amino acid with similar properties. This amino acid position is conserved. In addition, this alteration is predicted to be tolerated by in silico analysis. Based on the available evidence, the clinical significance of this variant remains unclear.